The following is an entry in ClinVar:

ClinVar aggregate classification (germline): Pathogenic (1 of 4 stars; one submission).

Conditions:
Short-rib thoracic dysplasia 14 with polydactyly (SRTD14). Identifiers: Orphanet 397715, MedGen C4225286, MONDO:0014688, OMIM 616546.
Joubert syndrome 23 (JBTS23). Identifiers: Orphanet 475, MedGen C4084822, MONDO:0014664, OMIM 616490.

Submission:

Labcorp Genetics (formerly Invitae), Labcorp
Classification: Pathogenic for Joubert syndrome 23; Short-rib thoracic dysplasia 14 with polydactyly. Last evaluated: 2023-08-16. Review status: criteria provided, single submitter. Criteria: Invitae Variant Classification Sherloc (09022015). Collection method: clinical testing. Allele origin: germline.
Comment: This variant has not been reported in the literature in individuals affected with KIAA0586-related conditions. This variant is present in population databases (rs759888144, gnomAD 0.0009%). This sequence change creates a premature translational stop signal (p.Pro1111Hisfs*19) in the KIAA0586 gene. It is expected to result in an absent or disrupted protein product. Loss-of-function variants in KIAA0586 are known to be pathogenic (PMID: 26096313, 26166481, 26386044). For these reasons, this variant has been classified as Pathogenic.

Literature cited by the submitters: PubMed 26096313; PubMed 26166481; PubMed 26386044.

NM_001329943.3(KIAA0586):c.3173del (p.Pro1058fs)

Gene: KIAA0586 (KIAA0586; plus strand). Cytogenetic location: 14q23.1.
Variant type: Deletion.
Coding change: c.3173del on transcript NM_001329943.3 (MANE Select); coding-DNA position 3173, one base deleted (C; older notation c.3173delC).
Protein change: p.Pro1058fs; shifts the reading frame from proline 1058.
Molecular consequence: frameshift variant.
Genome position (GRCh38, 1-based): chr14:58,487,035, C deleted; the last of 4 consecutive C bases (chr14:58,487,032-58,487,035); deleting any one gives the same sequence. VCF-style (leftmost placement, unchanged base first): chr14-58487031-AC-A. GRCh37 (hg19) VCF-style: chr14-58953749-AC-A.
Other names: c.3332del, p.Pro1111fs (NM_001244189.2); c.3128del, p.Pro1043fs (NM_001244190.2); c.2918del, p.Pro973fs (NM_001244191.2, NM_001329945.2, NM_001364700.1 and 1 more transcripts); c.3041del, p.Pro1014fs (NM_001244192.2); c.2753del, p.Pro918fs (NM_001244193.2); c.3173del, p.Pro1058fs (NM_001329944.2, NM_001329946.2, NM_001329947.2); c.2945del, p.Pro982fs (NM_014749.5); short protein forms P1043fs, P1111fs, P918fs, P973fs, P982fs, P1014fs, P1058fs.
Identifiers: ClinVar variation 2950716 (VCV002950716.3), dbSNP rs759888144, ClinGen allele CA7206084.